The following is an entry in ClinVar:

ClinVar aggregate classification (germline): Uncertain significance (1 of 4 stars; one submission).

Allele frequency attached by ClinVar (database versions not stated): gnomAD 0.00001 and 0.00002; TOPMed 0.00001; gnomAD exomes 0.00002; ExAC 0.00003; 1000 Genomes Project 30x 0.00016; 1000 Genomes Project 0.00020.
gnomAD v4.1: 72 of 1,610,440 alleles (0.0045%); highest among the groups gnomAD compares: East Asian, 0.16%; no homozygotes.

Submission:

Labcorp Genetics (formerly Invitae), Labcorp
Classification: Uncertain significance. Last evaluated: 2022-08-31. Review status: criteria provided, single submitter. Criteria: Invitae Variant Classification Sherloc (09022015). Collection method: clinical testing. Allele origin: germline.
Comment: This variant has not been reported in the literature in individuals affected with LRRC56-related conditions. This variant is present in population databases (rs199696122, gnomAD 0.02%). This sequence change replaces threonine, which is neutral and polar, with serine, which is neutral and polar, at codon 429 of the LRRC56 protein (p.Thr429Ser). ClinVar contains an entry for this variant (Variation ID: 1355147). In summary, the available evidence is currently insufficient to determine the role of this variant in disease. Therefore, it has been classified as a Variant of Uncertain Significance. Algorithms developed to predict the effect of missense changes on protein structure and function are either unavailable or do not agree on the potential impact of this missense change (SIFT: "Deleterious"; PolyPhen-2: "Benign"; Align-GVGD: "Class C0").

NM_198075.4(LRRC56):c.1286C>G (p.Thr429Ser)

Gene: LRRC56 (leucine rich repeat containing 56; plus strand). Cytogenetic location: 11p15.5.
Variant type: single nucleotide variant.
Coding change: c.1286C>G on transcript NM_198075.4 (MANE Select); coding-DNA position 1286, C replaced by G.
Protein change: p.Thr429Ser; replaces threonine 429 with serine.
Molecular consequence: missense variant.
Genome position (GRCh38, 1-based): chr11:552,673, C>G. VCF-style: chr11-552673-C-G. GRCh37 (hg19) VCF-style: chr11-552673-C-G.
Other names: short protein forms T429S.
Identifiers: ClinVar variation 1355147 (VCV001355147.6), dbSNP rs199696122, ClinGen allele CA5780037.